The following is an entry in ClinVar:

ClinVar aggregate classification (germline): Conflicting classifications of pathogenicity. Review status: criteria provided, conflicting classifications (1 of 4 stars). 8 submissions from 8 submitters: Uncertain significance (2); Benign (3); Likely benign (3). Last evaluated 2025-11-08.

Conditions:
Familial thoracic aortic aneurysm and aortic dissection (TAAD). Also called: Thoracic aortic aneurysms and dissections. Identifiers: Orphanet 91387, MedGen C4707243, MONDO:0019625.
Congenital contractural arachnodactyly (CCA). Also called: BEALS SYNDROME; Beals-Hecht syndrome; Arthrogryposis, distal, type 9. Identifiers: Orphanet 115, MedGen C0220668, MONDO:0007363, OMIM 121050.

Allele frequency attached by ClinVar (database versions not stated): gnomAD 0.00008 and 0.00009; TOPMed 0.00010; gnomAD exomes 0.00019 and 0.00021; ESP Exome Variant Server 0.00023; ExAC 0.00026.
gnomAD v4.1: 330 of 1,612,894 alleles (0.02%); highest among the groups gnomAD compares: Non-Finnish European, 0.024%; 1 homozygote.

Submissions (8):

Labcorp Genetics (formerly Invitae), Labcorp
Classification: Benign for Congenital contractural arachnodactyly. Last evaluated: 2025-11-08. Review status: criteria provided, single submitter. Criteria: Invitae Variant Classification Sherloc (09022015). Collection method: clinical testing. Allele origin: germline.

Blueprint Genetics
Classification: Likely benign. Last evaluated: 2024-09-10. Review status: criteria provided, single submitter. Criteria: ACMG Guidelines, 2015. Collection method: clinical testing. Allele origin: germline.

Women's Health and Genetics/Laboratory Corporation of America, LabCorp
Classification: Benign. Last evaluated: 2024-03-11. Review status: criteria provided, single submitter. Criteria: LabCorp Variant Classification Summary - May 2015. Collection method: clinical testing. Allele origin: germline.

ARUP Laboratories, Molecular Genetics and Genomics, ARUP Laboratories
Classification: Likely benign. Last evaluated: 2023-09-20. Review status: criteria provided, single submitter. Criteria: ARUP Molecular Germline Variant Investigation Process 2024. Collection method: clinical testing. Allele origin: germline.

Illumina Laboratory Services, Illumina
Classification: Uncertain significance for Congenital contractural arachnodactyly. Last evaluated: 2018-01-15. Review status: criteria provided, single submitter. Criteria: ICSL Variant Classification Criteria 13 December 2019. Collection method: clinical testing. Allele origin: germline.

Eurofins Ntd Llc (ga)
Classification: Uncertain significance. Last evaluated: 2017-02-23. Review status: criteria provided, single submitter. Criteria: EGL Classification Definitions 2015. Collection method: clinical testing. Allele origin: germline. Observed: 1 variant allele, 1 heterozygote.

Ambry Genetics
Classification: Likely benign for Familial thoracic aortic aneurysm and aortic dissection. Last evaluated: 2016-06-23. Review status: criteria provided, single submitter. Criteria: Ambry Variant Classification Scheme 2023. Collection method: clinical testing. Allele origin: germline.

GeneDx
Classification: Benign. Last evaluated: 2014-06-23. Review status: criteria provided, single submitter. Criteria: GeneDx Variant Classification (06012015). Collection method: clinical testing. Allele origin: germline. Affected: yes.
Comment: This variant is considered likely benign or benign based on one or more of the following criteria: it is a conservative change, it occurs at a poorly conserved position in the protein, it is predicted to be benign by multiple in silico algorithms, and/or has population frequency not consistent with disease.

NM_001999.4(FBN2):c.3013T>C (p.Leu1005=)

Genes: FBN2 (fibrillin 2; minus strand), LOC126807501 (BRD4-independent group 4 enhancer GRCh37_chr5:127680731-127681930; plus strand). Cytogenetic location: 5q23.3.
Variant type: single nucleotide variant.
Coding change: c.3013T>C on transcript NM_001999.4 (MANE Select); coding-DNA position 3013, T replaced by C.
Protein change: p.Leu1005=; no amino-acid change (leucine 1005 retained).
Molecular consequence: synonymous variant.
Genome position (GRCh38, 1-based): chr5:128,345,561, A>G on the plus strand (T>C on the coding strand, the complement: FBN2 is on the minus strand). VCF-style: chr5-128345561-A-G. GRCh37 (hg19) VCF-style: chr5-127681253-A-G.
Identifiers: ClinVar variation 213226 (VCV000213226.61), dbSNP rs147633551, ClinGen allele CA322319.
Genomic context (GRCh38, chr5:128,345,561, plus strand): 5'-AGGCATCCATGCGGAACTTTCCAGGAACGGGGTGGATGCATTCATCTTCATCCCACTTCA[A>G]GTAACACTGCTCCATGCGAATATCTACACCGAGAACGAAATCACAGGGTGAGAATGAGTT-3'
Protein context (NP_001990.2, residues 995-1015): CLDIRMEQCY[Leu1005=]KWDEDECIHP